The following is an entry in ClinVar:

ClinVar aggregate classification (germline): Uncertain significance (1 of 4 stars; one submission).

Conditions:
Hereditary cancer-predisposing syndrome. Also called: Tumor predisposition; Hereditary Cancer Syndrome; Hereditary neoplastic syndrome; Neoplastic Syndromes, Hereditary. Identifiers: Orphanet 140162, MedGen C0027672, MeSH D009386, MONDO:0015356.

Submission:

Ambry Genetics
Classification: Uncertain significance for Hereditary cancer-predisposing syndrome. Last evaluated: 2023-08-05. Review status: criteria provided, single submitter. Criteria: Ambry Variant Classification Scheme 2023. Collection method: clinical testing. Allele origin: germline.
Comment: The p.A87D variant (also known as c.260C>A), located in coding exon 1 of the MEN1 gene, results from a C to A substitution at nucleotide position 260. The alanine at codon 87 is replaced by aspartic acid, an amino acid with dissimilar properties. This amino acid position is conserved. In addition, the in silico prediction for this alteration is inconclusive. Since supporting evidence is limited at this time, the clinical significance of this alteration remains unclear.

NM_001370259.2(MEN1):c.260C>A (p.Ala87Asp)

Gene: MEN1 (menin 1; minus strand). Cytogenetic location: 11q13.1.
Variant type: single nucleotide variant.
Coding change: c.260C>A on transcript NM_001370259.2 (MANE Select); coding-DNA position 260, C replaced by A.
Protein change: p.Ala87Asp; replaces alanine 87 with aspartic acid.
Molecular consequence: missense variant. On other transcripts: non-coding transcript variant (4).
Genome position (GRCh38, 1-based): chr11:64,809,850, G>T on the plus strand (C>A on the coding strand, the complement: MEN1 is on the minus strand). VCF-style: chr11-64809850-G-T. GRCh37 (hg19) VCF-style: chr11-64577322-G-T.
Other names: c.260C>A, p.Ala87Asp (NM_000244.4, NM_001370251.2, NM_001370260.2 and 20 more transcripts); short protein forms A87D.
Identifiers: ClinVar variation 2588210 (VCV002588210.2), dbSNP rs2136187376, ClinGen allele CA381187537.